The following is an entry in ClinVar:

ClinVar aggregate classification (germline): Uncertain significance (1 of 4 stars; one submission).

Conditions:
ADCY3-related disorder. Also called: ADCY3-related condition.

Submission:

PreventionGenetics, part of Exact Sciences
Classification: Uncertain significance for ADCY3-related condition. Last evaluated: 2025-07-24. Review status: criteria provided, single submitter. Criteria: ACMG Guidelines, 2015. Collection method: clinical testing. Allele origin: germline.
Comment: The ADCY3 c.2907C>G variant is predicted to result in the amino acid substitution p.Phe969Leu. To our knowledge, this variant has not been reported in the literature or in a large population database (gnomAD), indicating this variant is rare. At this time, the clinical significance of this variant is uncertain due to the absence of conclusive functional and genetic evidence.

NM_004036.5(ADCY3):c.2904C>G (p.Phe968Leu)

Gene: ADCY3 (adenylate cyclase 3; minus strand). Cytogenetic location: 2p23.3.
Variant type: single nucleotide variant.
Coding change: c.2904C>G on transcript NM_004036.5 (MANE Select); coding-DNA position 2904, C replaced by G.
Protein change: p.Phe968Leu; replaces phenylalanine 968 with leucine.
Molecular consequence: missense variant.
Genome position (GRCh38, 1-based): chr2:24,822,610, G>C on the plus strand (C>G on the coding strand, the complement: ADCY3 is on the minus strand). VCF-style: chr2-24822610-G-C. GRCh37 (hg19) VCF-style: chr2-25045479-G-C.
Other names: c.2907C>G, p.Phe969Leu (NM_001320613.2); c.2970C>G, p.Phe990Leu (NM_001377128.1); c.2766C>G, p.Phe922Leu (NM_001377129.1); c.2352C>G, p.Phe784Leu (NM_001377130.1); c.2181C>G, p.Phe727Leu (NM_001377131.1); c.2904C>G, p.Phe968Leu (NM_001377132.1); short protein forms F784L, F922L, F969L, F990L, F727L, F968L.
Identifiers: ClinVar variation 4999201 (VCV004999201.1).
Genomic context (GRCh38, chr2:24,822,610, plus strand): 5'-GGTGACTCCTGAAGCCGCCATATACGTGCTGCCAATGGTTTTGATCTTGGTGATCACCCG[G>C]AACTTGGGATTGTCCAGGAGCTGAGGCCAGGATTCAGGAAAGAATTGTCAGCAGTCAAGG-3'
Protein context (NP_004027.2, residues 958-978): DFDSLLDNPK[Phe968Leu]RVITKIKTIG